The following is an entry in ClinVar:

ClinVar aggregate classification (germline): Pathogenic. Review status: criteria provided, multiple submitters, no conflicts (2 of 4 stars). 3 submissions from 3 submitters: Pathogenic (3). Last evaluated 2024-05-01.

Conditions:
Primary ciliary dyskinesia. Also called: Ciliary dyskinesia. Identifiers: Orphanet 244, MedGen C0008780, MONDO:0016575, HP:0012265.
Primary ciliary dyskinesia 3. Identifiers: Orphanet 244, MedGen C1837618, MONDO:0012085, OMIM 608644.

Allele frequency attached by ClinVar (database versions not stated): gnomAD exomes 0.00001.
gnomAD v4.1: 10 of 1,614,100 alleles (0.00062%); highest among the groups gnomAD compares: African/African-American, 0.0013%; no homozygotes.

Submissions (3):

Natera, Inc.
Classification: Pathogenic for Primary ciliary dyskinesia. Last evaluated: 2024-05-01. Review status: criteria provided, single submitter. Criteria: Natera Variant Classification Schema (03/2026). Collection method: clinical testing. Allele origin: germline.
Comment: The c.13285C>T variant in DNAH5 is a nonsense variant predicted to introduce a stop codon at amino acid 4429. This variant is expected to result in nonsense mediated decay, truncation, or a dysfunctional protein product. This variant is rare in the general population with a frequency below the threshold expected for the associated phenotype(s). This variant has been observed in one or more individuals affected with the associated recessive disease, as either homozygous or compound heterozygous with a second variant (PMID: 32996775, 31879361). Given the available evidence, this variant is classified as Pathogenic.

Fulgent Genetics
Classification: Pathogenic for Primary ciliary dyskinesia 3. Last evaluated: 2024-03-12. Review status: criteria provided, single submitter. Criteria: ACMG Guidelines, 2015. Collection method: clinical testing. Allele origin: germline.

Labcorp Genetics (formerly Invitae), Labcorp
Classification: Pathogenic for Primary ciliary dyskinesia. Last evaluated: 2024-02-01. Review status: criteria provided, single submitter. Criteria: Invitae Variant Classification Sherloc (09022015). Collection method: clinical testing. Allele origin: germline.
Comment: This sequence change creates a premature translational stop signal (p.Arg4429*) in the DNAH5 gene. It is expected to result in an absent or disrupted protein product. Loss-of-function variants in DNAH5 are known to be pathogenic (PMID: 11788826, 16627867). This variant is not present in population databases (gnomAD no frequency). This premature translational stop signal has been observed in individual(s) with DNAH5-related conditions (PMID: 31879361). ClinVar contains an entry for this variant (Variation ID: 856680). For these reasons, this variant has been classified as Pathogenic.

Literature cited by the submitters: PubMed 32996775 (cited by Natera, Inc.); PubMed 31879361 (cited by Natera, Inc. and Labcorp Genetics (formerly Invitae), Labcorp); PubMed 11788826 (cited by Labcorp Genetics (formerly Invitae), Labcorp); PubMed 16627867 (cited by Labcorp Genetics (formerly Invitae), Labcorp).

NM_001369.3(DNAH5):c.13285C>T (p.Arg4429Ter)

Gene: DNAH5 (dynein axonemal heavy chain 5; minus strand). Cytogenetic location: 5p15.2.
Variant type: single nucleotide variant.
Coding change: c.13285C>T on transcript NM_001369.3 (MANE Select); coding-DNA position 13285, C replaced by T.
Protein change: p.Arg4429Ter; replaces arginine 4429 with a stop codon.
Molecular consequence: nonsense.
Genome position (GRCh38, 1-based): chr5:13,708,176, G>A on the plus strand (C>T on the coding strand, the complement: DNAH5 is on the minus strand). VCF-style: chr5-13708176-G-A. GRCh37 (hg19) VCF-style: chr5-13708285-G-A.
Other names: short protein forms R4429*.
Identifiers: ClinVar variation 856680 (VCV000856680.14), dbSNP rs1743041017, ClinGen allele CA359196686.